The following is an entry in ClinVar:

NM_001195263.2(PDZD7):c.83G>A (p.Arg28Gln)

Gene: PDZD7 (PDZ domain containing 7; minus strand). Cytogenetic location: 10q24.31.
Variant type: single nucleotide variant.
Coding change: c.83G>A on transcript NM_001195263.2 (MANE Select); coding-DNA position 83, G replaced by A.
Protein change: p.Arg28Gln; replaces arginine 28 with glutamine.
Molecular consequence: missense variant.
Genome position (GRCh38, 1-based): chr10:101,030,137, C>T on the plus strand (G>A on the coding strand, the complement: PDZD7 is on the minus strand). VCF-style: chr10-101030137-C-T. GRCh37 (hg19) VCF-style: chr10-102789894-C-T.
Other names: c.83G>A, p.Arg28Gln (NM_001351044.2, NM_024895.5); short protein forms R28Q.
Identifiers: ClinVar variation 1063522 (VCV001063522.8), dbSNP rs892963481, ClinGen allele CA212992204.
Genomic context (GRCh38, chr10:101,030,137, plus strand): 5'-TGTTGCTTCCTTAGCAGGTATCGCGTTGCGGTGGAGCCTGAGTCGCTGCCTAGGTGGCCT[C>T]GGGAGGAGAGGGAGCTCAGAGAGCCGGAGCTCAGGTCTCCTAGGCCCAGTGGGTCGAAGC-3'
Protein context (NP_001182192.1, residues 18-38): SSGSLSSLSS[Arg28Gln]GHLGSDSGST

ClinVar aggregate classification (germline): Uncertain significance (1 of 4 stars; one submission).

Allele frequency attached by ClinVar (database versions not stated): gnomAD exomes below 0.00001 and 0.00003; gnomAD 0.00001; TOPMed 0.00001.

Submission:

Labcorp Genetics (formerly Invitae), Labcorp
Classification: Uncertain significance. Last evaluated: 2022-08-15. Review status: criteria provided, single submitter. Criteria: Invitae Variant Classification Sherloc (09022015). Collection method: clinical testing. Allele origin: germline.
Comment: In summary, the available evidence is currently insufficient to determine the role of this variant in disease. Therefore, it has been classified as a Variant of Uncertain Significance. Algorithms developed to predict the effect of sequence changes on RNA splicing suggest that this variant may disrupt the consensus splice site. Algorithms developed to predict the effect of missense changes on protein structure and function output the following: SIFT: "Deleterious"; PolyPhen-2: "Not Available"; Align-GVGD: "Class C0". The glutamine amino acid residue is found in multiple mammalian species, which suggests that this missense change does not adversely affect protein function. ClinVar contains an entry for this variant (Variation ID: 1063522). This variant has not been reported in the literature in individuals affected with PDZD7-related conditions. This variant is present in population databases (no rsID available, gnomAD 0.0009%). This sequence change replaces arginine, which is basic and polar, with glutamine, which is neutral and polar, at codon 28 of the PDZD7 protein (p.Arg28Gln).